The following is an entry in ClinVar:

ClinVar aggregate classification (germline): Uncertain significance (1 of 4 stars; one submission).

Conditions:
EGFR-related lung cancer (EGFR). Identifiers: MedGen CN130014.

Submission:

Labcorp Genetics (formerly Invitae), Labcorp
Classification: Uncertain significance for EGFR-related lung cancer. Last evaluated: 2021-04-22. Review status: criteria provided, single submitter. Criteria: Invitae Variant Classification Sherloc (09022015). Collection method: clinical testing. Allele origin: germline.
Comment: This variant is not present in population databases (ExAC no frequency). In summary, the available evidence is currently insufficient to determine the role of this variant in disease. Therefore, it has been classified as a Variant of Uncertain Significance. Algorithms developed to predict the effect of missense changes on protein structure and function (SIFT, PolyPhen-2, Align-GVGD) all suggest that this variant is likely to be tolerated, but these predictions have not been confirmed by published functional studies and their clinical significance is uncertain. This variant has not been reported in the literature in individuals with EGFR-related conditions. This sequence change replaces lysine with glutamine at codon 294 of the EGFR protein (p.Lys294Gln). The lysine residue is moderately conserved and there is a small physicochemical difference between lysine and glutamine.

NM_005228.5(EGFR):c.880A>C (p.Lys294Gln)

Gene: EGFR (epidermal growth factor receptor; plus strand). Cytogenetic location: 7p11.2.
Variant type: single nucleotide variant.
Coding change: c.880A>C on transcript NM_005228.5 (MANE Select); coding-DNA position 880, A replaced by C.
Protein change: p.Lys294Gln; replaces lysine 294 with glutamine.
Molecular consequence: missense variant. On other transcripts: intron variant (1).
Genome position (GRCh38, 1-based): chr7:55,154,143, A>C. VCF-style: chr7-55154143-A-C. GRCh37 (hg19) VCF-style: chr7-55221836-A-C.
Other names: c.745A>C, p.Lys249Gln (NM_001346897.2, NM_001346899.2); c.880A>C, p.Lys294Gln (NM_001346898.2, NM_201282.2, NM_201283.2 and 1 more transcripts); c.721A>C, p.Lys241Gln (NM_001346900.2); c.89-1687A>C (NM_001346941.2); short protein forms K241Q, K249Q, K294Q.
Identifiers: ClinVar variation 1513735 (VCV001513735.8), dbSNP rs2128935166, ClinGen allele CA367577875.
Genomic context (GRCh38, chr7:55,154,143, plus strand): 5'-ACGTACCAGATGGATGTGAACCCCGAGGGCAAATACAGCTTTGGTGCCACCTGCGTGAAG[A>C]AGTGTCCCCGTGAGTCCTCCTCTGTGGGCCCTCTAACTGGTCAGGCATCCTTGTCCCGCT-3'
Protein context (NP_005219.2, residues 284-304): KYSFGATCVK[Lys294Gln]CPRNYVVTDH